The following is an entry in ClinVar:

ClinVar aggregate classification (germline): Conflicting classifications of pathogenicity. Review status: criteria provided, conflicting classifications (1 of 4 stars). 3 submissions from 3 submitters: Uncertain significance (2); Benign (1). Last evaluated 2025-10-26.

Conditions:
Tuberous sclerosis 2 (TSC2). Identifiers: Orphanet 805, MedGen C1860707, MONDO:0013199, OMIM 613254.
Tuberous sclerosis syndrome (TSC). Also called: Tuberous Sclerosis Complex; Tuberous sclerosis. Identifiers: Orphanet 805, MedGen C0041341, MONDO:0001734.
Hereditary cancer-predisposing syndrome. Also called: Hereditary neoplastic syndrome; Neoplastic Syndromes, Hereditary; Tumor predisposition; Hereditary Cancer Syndrome. Identifiers: Orphanet 140162, MedGen C0027672, MeSH D009386, MONDO:0015356.

Allele frequency attached by ClinVar (database versions not stated): gnomAD exomes below 0.00001; ExAC 0.00001; gnomAD 0.00001; TOPMed 0.00001.
gnomAD v4.1: 11 of 1,612,876 alleles (0.00068%); highest among the groups gnomAD compares: African/African-American, 0.0013%; no homozygotes.

Submissions (3):

Labcorp Genetics (formerly Invitae), Labcorp
Classification: Benign for Tuberous sclerosis 2. Last evaluated: 2025-10-26. Review status: criteria provided, single submitter. Criteria: Invitae Variant Classification Sherloc (09022015). Collection method: clinical testing. Allele origin: germline.

Ambry Genetics
Classification: Uncertain significance for Hereditary cancer-predisposing syndrome. Last evaluated: 2023-12-21. Review status: criteria provided, single submitter. Criteria: Ambry Variant Classification Scheme 2023. Collection method: clinical testing. Allele origin: germline.
Comment: The p.P1166L variant (also known as c.3497C>T), located in coding exon 29 of the TSC2 gene, results from a C to T substitution at nucleotide position 3497. The proline at codon 1166 is replaced by leucine, an amino acid with similar properties. This amino acid position is not well conserved in available vertebrate species. In addition, the in silico prediction for this alteration is inconclusive. Since supporting evidence is limited at this time, the clinical significance of this alteration remains unclear.

All of Us Research Program, National Institutes of Health
Classification: Uncertain significance for Tuberous sclerosis syndrome. Last evaluated: 2023-08-15. Review status: criteria provided, single submitter. Criteria: ACMG Guidelines, 2015. Collection method: clinical testing. Allele origin: germline. Inheritance: Autosomal dominant inheritance. Observed: 1 variant allele, 1 heterozygote.
Comment: This missense variant replaces proline with leucine at codon 1166 of the TSC2 protein. Computational prediction suggests that this variant may not impact protein structure and function (internally defined REVEL score threshold <= 0.5, PMID: 27666373). To our knowledge, functional studies have not been reported for this variant. This variant has not been reported in individuals affected with TSC2-related disorders in the literature. This variant has been identified in 1/250266 chromosomes in the general population by the Genome Aggregation Database (gnomAD). The available evidence is insufficient to determine the role of this variant in disease conclusively. Therefore, this variant is classified as a Variant of Uncertain Significance.

This study involves interpretation of variants in research participants for the purpose of population health screening. Participant phenotype was not available at the time of variant classification. Additional details can be found in publication PMID: 35346344, PMCID: PMC8962531

NM_000548.5(TSC2):c.3497C>T (p.Pro1166Leu)

Gene: TSC2 (TSC complex subunit 2; plus strand). Cytogenetic location: 16p13.3.
Variant type: single nucleotide variant.
Coding change: c.3497C>T on transcript NM_000548.5 (MANE Select); coding-DNA position 3497, C replaced by T.
Protein change: p.Pro1166Leu; replaces proline 1166 with leucine.
Molecular consequence: missense variant.
Genome position (GRCh38, 1-based): chr16:2,080,264, C>T. VCF-style: chr16-2080264-C-T. GRCh37 (hg19) VCF-style: chr16-2130265-C-T.
Other names: c.3365C>T, p.Pro1122Leu (NM_001077183.3, NM_001370404.1); c.3497C>T, p.Pro1166Leu (NM_001114382.3); c.3257C>T, p.Pro1086Leu (NM_001318827.2); c.3221C>T, p.Pro1074Leu (NM_001318829.2); c.2765C>T, p.Pro922Leu (NM_001318831.2); c.3398C>T, p.Pro1133Leu (NM_001318832.2); c.3368C>T, p.Pro1123Leu (NM_001363528.2, NM_001370405.1, NM_021055.3); short protein forms P1074L, P1122L, P1123L, P1166L, P922L, P1086L, P1133L.
Identifiers: ClinVar variation 1042399 (VCV001042399.12), dbSNP rs762650392, ClinGen allele CA047205.